The following is an entry in ClinVar:

NM_005591.4(MRE11):c.1714C>T (p.Arg572Ter)

Gene: MRE11 (MRE11 double strand break repair nuclease; minus strand). Cytogenetic location: 11q21.
Variant type: single nucleotide variant.
Coding change: c.1714C>T on transcript NM_005591.4 (MANE Select); coding-DNA position 1714, C replaced by T.
Protein change: p.Arg572Ter; replaces arginine 572 with a stop codon.
Molecular consequence: nonsense.
Genome position (GRCh38, 1-based): chr11:94,447,288, G>A on the plus strand (C>T on the coding strand, the complement: MRE11 is on the minus strand). VCF-style: chr11-94447288-G-A. GRCh37 (hg19) VCF-style: chr11-94180454-G-A.
Other names: R571*; c.1714C>T, p.Arg572Ter (NM_001330347.2, NM_005590.4); short protein forms R572*.
Identifiers: ClinVar variation 8784 (VCV000008784.60), dbSNP rs137852761, ClinGen allele CA119923.

ClinVar aggregate classification (germline): Pathogenic/Likely pathogenic. Review status: criteria provided, multiple submitters, no conflicts (2 of 4 stars). 10 submissions from 10 submitters: Pathogenic (7); Likely pathogenic (2). 1 of the submissions does not count toward it. Last evaluated 2026-03-12.

Conditions:
MRE11A-related disorders.
Ataxia-telangiectasia-like disorder (ATLD). Identifiers: MedGen C1858391, MONDO:0011457.
Hereditary cancer-predisposing syndrome. Also called: Neoplastic Syndromes, Hereditary; Tumor predisposition; Hereditary Cancer Syndrome; Hereditary neoplastic syndrome. Identifiers: Orphanet 140162, MedGen C0027672, MeSH D009386, MONDO:0015356.
Ataxia-telangiectasia-like disorder 1 (ATLD1). Identifiers: Orphanet 251347, MedGen C4012790, MONDO:0024557, OMIM 604391.

Allele frequency attached by ClinVar (database versions not stated): TOPMed 0.00004; gnomAD exomes 0.00006; ExAC 0.00007; gnomAD 0.00007.
gnomAD v4.1: 151 of 1,613,564 alleles (0.0094%); highest among the groups gnomAD compares: Non-Finnish European, 0.012%; no homozygotes.

Submissions (10):

GeneDx
Classification: Pathogenic. Last evaluated: 2026-03-12. Review status: criteria provided, single submitter. Criteria: GeneDx Variant Classification Process June 2021. Collection method: clinical testing. Allele origin: germline.
Comment: Published functional studies demonstrate this variant undergoes nonsense-mediated decay (PMID: 11371508); Nonsense variant predicted to result in protein truncation or nonsense mediated decay in a gene for which loss of function is a known mechanism of disease; Not observed at significant frequency in large population cohorts (gnomAD); This variant is associated with the following publications: (PMID: 39184053, 29922827, 25525159, 11371508, 28152038, 28486781, 31263571, 36744932, 29053726, 34887416, 34308104, 32427313, 29170652, 15269180)

Labcorp Genetics (formerly Invitae), Labcorp
Classification: Pathogenic for Ataxia-telangiectasia-like disorder. Last evaluated: 2024-07-22. Review status: criteria provided, single submitter. Criteria: Invitae Variant Classification Sherloc (09022015). Collection method: clinical testing. Allele origin: germline.
Comment: This sequence change creates a premature translational stop signal (p.Arg572*) in the MRE11 gene. It is expected to result in an absent or disrupted protein product. Loss-of-function variants in MRE11 are known to be pathogenic (PMID: 23080121, 23912341). This variant is present in population databases (rs137852761, gnomAD 0.01%). This premature translational stop signal has been observed in individual(s) with ataxia-telangiectasia-like disorder (PMID: 11371508, 15269180). This variant is also known as p.R571X. ClinVar contains an entry for this variant (Variation ID: 8784). For these reasons, this variant has been classified as Pathogenic.

Fulgent Genetics
Classification: Likely pathogenic for Ataxia-telangiectasia-like disorder 1. Last evaluated: 2024-06-01. Review status: criteria provided, single submitter. Criteria: ACMG Guidelines, 2015. Collection method: clinical testing. Allele origin: germline.

Baylor Genetics
Classification: Pathogenic for Ataxia-telangiectasia-like disorder 1. Last evaluated: 2024-02-21. Review status: criteria provided, single submitter. Criteria: ACMG Guidelines, 2015. Collection method: clinical testing. Allele origin: unknown.

Blueprint Genetics
Classification: Pathogenic for MRE11A-related disorders. Last evaluated: 2024-01-19. Review status: criteria provided, single submitter. Criteria: ACMG Guidelines, 2015. Collection method: clinical testing. Allele origin: germline. Affected: yes. Observed: 4 variant alleles.

Women's Health and Genetics/Laboratory Corporation of America, LabCorp
Classification: Pathogenic for Ataxia-telangiectasia-like disorder. Last evaluated: 2023-12-11. Review status: criteria provided, single submitter. Criteria: LabCorp Variant Classification Summary - May 2015. Collection method: clinical testing. Allele origin: germline.
Comment: Variant summary: MRE11A c.1714C>T (p.Arg572X) results in a premature termination codon, predicted to cause a truncation of the encoded protein or absence of the protein due to nonsense mediated decay, which are commonly known mechanisms for disease. The variant allele was found at a frequency of 6e-05 in 251278 control chromosomes. This frequency is not significantly higher than estimated for a pathogenic variant in MRE11A causing Ataxia Telangiectasia-Like Disorder (6e-05 vs 0.0013), allowing no conclusion about variant significance. c.1714C>T has been reported in the literature in individuals affected with Ataxia Telangiectasia-like Disorder (Delia_2004, Pitts_2001), along with individuals affected with pancreatic cancer (Hu_2018) and breast cancer (Lolas Hamameh_2017). These data indicate that the variant is likely to be associated with disease. In addition, functional studies utilizing samples from compound heterozygote patients found the nonsense change to cause NMD leading to lack of MRE11A protein expression and causing an increased radiosensitivity (Delia_2004). The following publications have been ascertained in the context of this evaluation (PMID: 28152038, 29922827, 28486781, 15269180, 11371508, 10612394). Four submitters have cited clinical-significance assessments for this variant to ClinVar after 2014. All submitters classified the variant as pathogenic/likely pathogenic. Based on the evidence outlined above, the variant was classified as pathogenic.

Ambry Genetics
Classification: Pathogenic for Hereditary cancer-predisposing syndrome. Last evaluated: 2021-06-28. Review status: criteria provided, single submitter. Criteria: Ambry Variant Classification Scheme 2023. Collection method: clinical testing. Allele origin: germline.
Comment: The p.R572* pathogenic mutation (also known as c.1714C>T), located in coding exon 14 of the MRE11A gene, results from a C to T substitution at nucleotide position 1714. This changes the amino acid from an arginine to a stop codon within coding exon 14. This mutation was reported in two siblings with ataxia telangiectasia-like disorder (ATLD) and was found to result in nonsense-mediated decay (Pitts SA et al. Hum. Mol. Genet. 2001 May;10:1155-62). In addition, two Italian siblings with ATLD were found to be compound heterozygous for this mutation, and their clinical course is well documented (Delia D et al. Hum. Mol. Genet. 2004 Sep;13:2155-63; Palmeri S et al. Cerebellum. 2013 Aug;12:596-9). Of note, this alteration is also designated as R571X in published literature. In addition to the clinical data presented in the literature, this alteration is expected to result in loss of function by premature protein truncation or nonsense-mediated mRNA decay. As such, this alteration is interpreted as a disease-causing mutation.

CeGaT Center for Human Genetics Tuebingen
Classification: Pathogenic. Last evaluated: 2021-02-01. Review status: criteria provided, single submitter. Criteria: CeGaT Center For Human Genetics Tuebingen Variant Classification Criteria Version 2. Collection method: clinical testing. Allele origin: germline. Affected: yes. Observed: 1 variant allele.

Illumina Laboratory Services, Illumina
Classification: Likely pathogenic for Ataxia-telangiectasia-like disorder 1. Last evaluated: 2018-10-22. Review status: criteria provided, single submitter. Criteria: ICSL Variant Classification Criteria 09 May 2019. Collection method: clinical testing. Allele origin: germline.
Comment: The MRE11A c.1714C>T (p.Arg572Ter) variant is a stop-gained variant predicted to cause a premature truncation of the protein. The p.Arg572Ter variant has been reported in at least two studies in which it is found in a compound heterozygous state in two pairs of siblings from two families with ataxia-telangiectasia-like disorder (Pitts et al. 2001; Delia et al. 2004; Federighi et al. 2017). Control data are unavailable for this variant, which is reported at a frequency of 0.00013 in the European (non-Finnish) population of the Exome Aggregation Consortium. The p.Arg572Ter variant protein could not be detected in proband cells due to destabilisation of the variant by nonsense-mediated mRNA decay. In addition, functional assays in patient lymphoblastoid cell lines demonstrated that the p.Arg572Ter variant protein resulted in a defective MRN complex and exhibited enhanced radio sensitivity in colony survival assays (Pitts et al. 2001; Delia et al. 2004). Based on the evidence, the p.Arg572Ter variant is classified as likely pathogenic for ataxia-telangiectasia-like disorder. This variant was observed by ICSL as part of a predisposition screen in an ostensibly healthy population.

OMIM
Classification: Pathogenic for ATAXIA-TELANGIECTASIA-LIKE DISORDER 1. Last evaluated: 2001-05-15. Review status: no assertion criteria provided. Collection method: literature only. Allele origin: germline. Not counted in ClinVar's aggregate classification.

Literature cited by the submitters: PubMed 23080121 (cited by Labcorp Genetics (formerly Invitae), Labcorp); PubMed 23912341 (cited by Labcorp Genetics (formerly Invitae), Labcorp); PubMed 11371508 (cited by 5 submitters); PubMed 15269180 (cited by 4 submitters); PubMed 28152038 (cited by Women's Health and Genetics/Laboratory Corporation of America, LabCorp); PubMed 29922827 (cited by Women's Health and Genetics/Laboratory Corporation of America, LabCorp); PubMed 28486781 (cited by Women's Health and Genetics/Laboratory Corporation of America, LabCorp); PubMed 10612394 (cited by Women's Health and Genetics/Laboratory Corporation of America, LabCorp and OMIM); PubMed 16858402 (cited by Ambry Genetics); PubMed 23436002 (cited by Ambry Genetics); PubMed 29170652 (cited by Illumina Laboratory Services, Illumina); PubMed 8684395 (cited by OMIM).